The following is an entry in ClinVar:

NM_001374675.1(HSF4):c.1273dup (p.Glu425fs)

Gene: HSF4 (heat shock transcription factor 4; plus strand). Cytogenetic location: 16q22.1.
Variant type: Duplication.
Coding change: c.1273dup on transcript NM_001374675.1 (MANE Select); coding-DNA position 1273, one base duplicated (G; older notation c.1273dupG).
Protein change: p.Glu425fs; shifts the reading frame from glutamic acid 425.
Molecular consequence: frameshift variant.
Genome position (GRCh38, 1-based): chr16:67,169,297, G duplicated. VCF-style (leftmost placement, unchanged base first): chr16-67169296-A-AG. GRCh37 (hg19) VCF-style: chr16-67203199-A-AG.
Other names: c.1273dup, p.Glu425fs (NM_001040667.3); c.1183dup, p.Glu395fs (NM_001374674.1, NM_001538.4); short protein forms E395fs, E425fs.
Identifiers: ClinVar variation 3544405 (VCV003544405.2).

ClinVar aggregate classification (germline): Pathogenic. Review status: criteria provided, single submitter (1 of 4 stars). 2 submissions from 2 submitters: Pathogenic (1). 1 of the submissions does not count toward it. Last evaluated 2023-07-17.

Conditions:
Cataract 5 multiple types (CTRCT5). Also called: CATARACT, MARNER TYPE; CATARACT 5, LAMELLAR; Lamellar cataract. Identifiers: Orphanet 91492, MedGen C0266537, MONDO:0007290, OMIM 116800, HP:0007971.

Submissions (2):

3billion
Classification: Pathogenic for Cataract 5 multiple types. Last evaluated: 2023-07-17. Review status: criteria provided, single submitter. Criteria: ACMG Guidelines, 2015. Collection method: clinical testing. Allele origin: germline. Affected: yes.
Comment: The variant is not observed in the gnomAD v2.1.1 dataset. Predicted Consequence/Location: Frameshift: predicted to result in a loss or disruption of normal protein function through nonsense-mediated decay (NMD) or protein truncation. Multiple pathogenic variants are reported downstream of the variant. The variant has been reported to be associated with HSF4 related disorder (3billion dataset). Therefore, this variant is classified as Pathogenic according to the recommendation of ACMG/AMP guideline.

Human Molecular Genetics Lab, PMAS-arid Agriculture University Rawalpindi
Classification: Pathogenic for Cataract 5 multiple types. Review status: no assertion criteria provided. Collection method: research. Allele origin: germline. Inheritance: Autosomal recessive inheritance. Affected: yes. Observed: 1 homozygote. Not counted in ClinVar's aggregate classification.